The following is an entry in ClinVar:

ClinVar aggregate classification (germline): Pathogenic (1 of 4 stars; one submission).

Conditions:
Wilson disease (WND). Also called: Wilson's disease. Identifiers: Orphanet 905, MedGen C0019202, MONDO:0010200, OMIM 277900. Disease mechanism: loss of function.

Submission:

Labcorp Genetics (formerly Invitae), Labcorp
Classification: Pathogenic for Wilson disease. Last evaluated: 2022-07-26. Review status: criteria provided, single submitter. Criteria: Invitae Variant Classification Sherloc (09022015). Collection method: clinical testing. Allele origin: germline.
Comment: For these reasons, this variant has been classified as Pathogenic. This variant disrupts a region of the ATP7B protein in which other variant(s) (p.Arg1459Glyfs*2) have been determined to be pathogenic (PMID: 26799313). This suggests that this is a clinically significant region of the protein, and that variants that disrupt it are likely to be disease-causing. This variant is also known as c.4093InsT. This premature translational stop signal has been observed in individual(s) with Wilson disease (PMID: 23982005). This variant is not present in population databases (gnomAD no frequency). This sequence change creates a premature translational stop signal (p.Ser1365Phefs*13) in the ATP7B gene. While this is not anticipated to result in nonsense mediated decay, it is expected to disrupt the last 101 amino acid(s) of the ATP7B protein.

Literature cited by the submitters: PubMed 26799313; PubMed 23982005.

NM_000053.4(ATP7B):c.4093dup (p.Ser1365fs)

Gene: ATP7B (ATPase copper transporting beta; minus strand). Cytogenetic location: 13q14.3.
Variant type: Duplication.
Coding change: c.4093dup on transcript NM_000053.4 (MANE Select); coding-DNA position 4093, one base duplicated (T; older notation c.4093dupT).
Protein change: p.Ser1365fs; shifts the reading frame from serine 1365.
Molecular consequence: frameshift variant.
Genome position (GRCh38, 1-based): chr13:51,935,624, A duplicated on the plus strand (T on the coding strand, the reverse complement: ATP7B is on the minus strand). VCF-style (leftmost placement, unchanged base first): chr13-51935623-G-GA. GRCh37 (hg19) VCF-style: chr13-52509759-G-GA.
Other names: c.3472dup, p.Ser1158fs (NM_001005918.3); c.3997dup, p.Ser1333Phefs (NM_001406518.1, NM_001406517.1); c.3958dup, p.Ser1320Phefs (NM_001406519.1); c.3949dup, p.Ser1317Phefs (NM_001406520.1, NM_001406521.1, NM_001406522.1); c.3910dup, p.Ser1304Phefs (NM_001406523.1); c.3916dup, p.Ser1306Phefs (NM_001406524.1); c.3898dup, p.Ser1300Phefs (NM_001406525.1); c.3889dup, p.Ser1297Phefs (NM_001406526.1); and 23 more; short protein forms S1254fs, S1365fs, S1281fs, S1158fs, S1287fs.
Identifiers: ClinVar variation 2137508 (VCV002137508.4), dbSNP rs2547550958, ClinGen allele CA2580087678.